The following is an entry in ClinVar:

ClinVar aggregate classification (germline): Uncertain significance. Review status: criteria provided, multiple submitters, no conflicts (2 of 4 stars). 2 submissions from 2 submitters: Uncertain significance (2). Last evaluated 2025-09-26.

Conditions:
Inborn genetic diseases. Identifiers: MedGen C0950123, MeSH D030342.

Allele frequency attached by ClinVar (database versions not stated): ExAC 0.00002; TOPMed 0.00006; gnomAD 0.00005.
gnomAD v4.1: 32 of 1,613,508 alleles (0.002%); highest among the groups gnomAD compares: Admixed American, 0.01%; no homozygotes.

Submissions (2):

Ambry Genetics
Classification: Uncertain significance for Inborn genetic diseases. Last evaluated: 2025-09-26. Review status: criteria provided, single submitter. Criteria: Ambry Variant Classification Scheme 2023. Collection method: clinical testing. Allele origin: germline.

GeneDx
Classification: Uncertain significance. Last evaluated: 2024-12-20. Review status: criteria provided, single submitter. Criteria: GeneDx Variant Classification Process June 2021. Collection method: clinical testing. Allele origin: germline. Affected: yes.
Comment: In silico analysis supports that this missense variant has a deleterious effect on protein structure/function; Has not been previously published as pathogenic or benign to our knowledge

NM_001199799.2(ILDR1):c.1613C>G (p.Ser538Cys)

Gene: ILDR1 (immunoglobulin like domain containing receptor 1; minus strand). Cytogenetic location: 3q13.33.
Variant type: single nucleotide variant.
Coding change: c.1613C>G on transcript NM_001199799.2 (MANE Select); coding-DNA position 1613, C replaced by G.
Protein change: p.Ser538Cys; replaces serine 538 with cysteine.
Molecular consequence: missense variant.
Genome position (GRCh38, 1-based): chr3:121,988,395, G>C on the plus strand (C>G on the coding strand, the complement: ILDR1 is on the minus strand). VCF-style: chr3-121988395-G-C. GRCh37 (hg19) VCF-style: chr3-121707242-G-C.
Other names: c.1346C>G, p.Ser449Cys (NM_001199800.2); c.1481C>G, p.Ser494Cys (NM_175924.4); short protein forms S494C, S538C, S449C.
Identifiers: ClinVar variation 2591131 (VCV002591131.4), dbSNP rs568713946, ClinGen allele CA2568587.